The following is an entry in ClinVar:

ClinVar aggregate classification (germline): Uncertain significance. Review status: criteria provided, multiple submitters, no conflicts (2 of 4 stars). 2 submissions from 2 submitters: Uncertain significance (2). Last evaluated 2024-03-12.

Conditions:
Arterial calcification, generalized, of infancy, 2. Identifiers: Orphanet 51608, MedGen C3276161, MONDO:0013768, OMIM 614473.
Autosomal recessive inherited pseudoxanthoma elasticum (PXE). Identifiers: Orphanet 758, MedGen CN032334, MONDO:0009925, OMIM 264800.
Pseudoxanthoma elasticum, forme fruste. Also called: Pseudoxanthoma Elasticum, Incomplete; PSEUDOXANTHOMA ELASTICUM, HETEROZYGOUS. Identifiers: Orphanet 758, MedGen C1867450, MONDO:0008333, OMIM 177850.

Allele frequency attached by ClinVar (database versions not stated): gnomAD exomes 0.00002 and 0.00003; TOPMed 0.00002; ExAC 0.00003; gnomAD 0.00001.
gnomAD v4.1: 25 of 1,611,694 alleles (0.0016%); highest among the groups gnomAD compares: South Asian, 0.0044%; no homozygotes.

Submissions (2):

Fulgent Genetics
Classification: Uncertain significance for Pseudoxanthoma elasticum, forme fruste; Autosomal recessive inherited pseudoxanthoma elasticum; Arterial calcification, generalized, of infancy, 2. Last evaluated: 2024-03-12. Review status: criteria provided, single submitter. Criteria: ACMG Guidelines, 2015. Collection method: clinical testing. Allele origin: germline.

Labcorp Genetics (formerly Invitae), Labcorp
Classification: Uncertain significance. Last evaluated: 2021-08-27. Review status: criteria provided, single submitter. Criteria: Invitae Variant Classification Sherloc (09022015). Collection method: clinical testing. Allele origin: germline.
Comment: This sequence change replaces valine with methionine at codon 1463 of the ABCC6 protein (p.Val1463Met). The valine residue is weakly conserved and there is a small physicochemical difference between valine and methionine. This variant is present in population databases (rs759407080, ExAC 0.006%). This variant has not been reported in the literature in individuals affected with ABCC6-related conditions. Algorithms developed to predict the effect of missense changes on protein structure and function are either unavailable or do not agree on the potential impact of this missense change (SIFT: "Deleterious"; PolyPhen-2: "Probably Damaging"; Align-GVGD: "Class C0"). In summary, the available evidence is currently insufficient to determine the role of this variant in disease. Therefore, it has been classified as a Variant of Uncertain Significance.

NM_001171.6(ABCC6):c.4387G>A (p.Val1463Met)

Genes: ABCC6 (ATP binding cassette subfamily C member 6; minus strand), LOC125146421 (Sharpr-MPRA regulatory region 15590; plus strand). Cytogenetic location: 16p13.11.
Variant type: single nucleotide variant.
Coding change: c.4387G>A on transcript NM_001171.6 (MANE Select); coding-DNA position 4387, G replaced by A.
Protein change: p.Val1463Met; replaces valine 1463 with methionine.
Molecular consequence: missense variant. On other transcripts: non-coding transcript variant (1).
Genome position (GRCh38, 1-based): chr16:16,150,594, C>T on the plus strand (G>A on the coding strand, the complement: ABCC6 is on the minus strand). VCF-style: chr16-16150594-C-T. GRCh37 (hg19) VCF-style: chr16-16244451-C-T.
Other names: c.4045G>A, p.Val1349Met (NM_001351800.1); short protein forms V1463M, V1349M.
Identifiers: ClinVar variation 1474813 (VCV001474813.6), dbSNP rs759407080, ClinGen allele CA7925211.